The following is an entry in ClinVar:

ClinVar aggregate classification (germline): Uncertain significance. Review status: criteria provided, multiple submitters, no conflicts (2 of 4 stars). 3 submissions from 3 submitters: Uncertain significance (3). Last evaluated 2025-04-16.

Conditions:
Dilated cardiomyopathy 1G (CMD1G). Identifiers: Orphanet 154, MedGen C1858763, MONDO:0011400, OMIM 604145.
Autosomal recessive limb-girdle muscular dystrophy type 2J (LGMDR10). Also called: Limb-girdle muscular dystrophy, type 2J; MUSCULAR DYSTROPHY, LIMB-GIRDLE, AUTOSOMAL RECESSIVE 10. Identifiers: Orphanet 140922, MedGen C1837342, MONDO:0012127, OMIM 608807.
Cardiovascular phenotype. Identifiers: MedGen CN230736.

Submissions (3):

Revvity Omics, Revvity
Classification: Uncertain significance. Last evaluated: 2025-04-16. Review status: criteria provided, single submitter. Criteria: ACMG Guidelines, 2015. Collection method: clinical testing. Allele origin: germline.

Labcorp Genetics (formerly Invitae), Labcorp
Classification: Uncertain significance for Dilated cardiomyopathy 1G; Autosomal recessive limb-girdle muscular dystrophy type 2J. Last evaluated: 2023-02-22. Review status: criteria provided, single submitter. Criteria: Invitae Variant Classification Sherloc (09022015). Collection method: clinical testing. Allele origin: germline.
Comment: This variant, c.106575_106576insGTAATTTCT, results in the insertion of 3 amino acid(s) of the TTN protein (p.Thr35525_Ser35526insValIleSer), but otherwise preserves the integrity of the reading frame. This variant is present in population databases (rs768256269, gnomAD 0.004%). This variant has not been reported in the literature in individuals affected with TTN-related conditions. ClinVar contains an entry for this variant (Variation ID: 808890). This variant is located in the M band of TTN (PMID: 25589632). Variants in this region may be relevant for neuromuscular disorders, but have not been definitively shown to cause cardiomyopathy (PMID: 23975875). In summary, the available evidence is currently insufficient to determine the role of this variant in disease. Therefore, it has been classified as a Variant of Uncertain Significance.

Ambry Genetics
Classification: Uncertain significance for Cardiovascular phenotype. Last evaluated: 2019-02-14. Review status: criteria provided, single submitter. Criteria: Ambry Variant Classification Scheme 2023. Collection method: clinical testing. Allele origin: germline.
Comment: The c.79380_79381insGTAATTTCT variant (also known as p.T26460_S26461insVIS), located in coding exon 187 of the TTN gene, results from an in-frame GTAATTTCT insertion at nucleotide positions 79380 to 79381. This results in the insertion of extra valine, isoleucine, and serine residues between codons 26460 and 26461. Since supporting evidence is limited at this time, the clinical significance of this alteration remains unclear.

Literature cited by the submitters: PubMed 25589632 (cited by Labcorp Genetics (formerly Invitae), Labcorp); PubMed 23975875 (cited by Labcorp Genetics (formerly Invitae), Labcorp).

NM_001267550.2(TTN):c.106575_106576insGTAATTTCT (p.Thr35525_Ser35526insValIleSer)

Genes: TTN (titin; minus strand), TTN-AS1 (TTN antisense RNA 1; plus strand). Cytogenetic location: 2q31.2.
Variant type: Insertion.
Coding change: c.106575_106576insGTAATTTCT on transcript NM_001267550.2 (MANE Select); coding-DNA positions 106575 to 106576, GTAATTTCT inserted.
Protein change: p.Thr35525_Ser35526insValIleSer.
Molecular consequence: inframe insertion.
Genome position: GRCh38 VCF-style: chr2-178529175-A-AAGAAATTAC. GRCh37 (hg19) VCF-style: chr2-179393902-A-AAGAAATTAC.
Other names: c.101652_101653insGTAATTTCT, p.Thr33884_Ser33885insValIleSer (NM_001256850.1); c.79380_79381insGTAATTTCT, p.Thr26460_Ser26461insValIleSer (NM_003319.4); c.98871_98872insGTAATTTCT, p.Thr32957_Ser32958insValIleSer (NM_133378.4); c.79755_79756insGTAATTTCT, p.Thr26585_Ser26586insValIleSer (NM_133432.3); c.79956_79957insGTAATTTCT, p.Thr26652_Ser26653insValIleSer (NM_133437.4).
Identifiers: ClinVar variation 808890 (VCV000808890.23), dbSNP rs768256269, ClinGen allele CA1985068.